The following is an entry in ClinVar:

ClinVar aggregate classification (germline): Uncertain significance. Review status: criteria provided, multiple submitters, no conflicts (2 of 4 stars). 4 submissions from 4 submitters: Uncertain significance (2). 2 of the submissions do not count toward it. Last evaluated 2023-11-28.

Conditions:
Otitis media, susceptibility to (OMS). Also called: COME/ROM; OTITIS MEDIA, CHRONIC/RECURRENT. Identifiers: MedGen C1833692, MONDO:0008162, OMIM 166760.
Susceptibility to nonsyndromic otitis media.
Ichthyosis linearis circumflexa. Identifiers: MedGen C0265962, MONDO:0043106, HP:0025810.

Allele frequency attached by ClinVar (database versions not stated): gnomAD exomes below 0.00001.
gnomAD v4.1: 5 of 1,612,368 alleles (0.00031%); highest among the groups gnomAD compares: East Asian, 0.0022%; no homozygotes.

Submissions (4):

Labcorp Genetics (formerly Invitae), Labcorp
Classification: Uncertain significance for Ichthyosis linearis circumflexa. Last evaluated: 2023-11-28. Review status: criteria provided, single submitter. Criteria: Invitae Variant Classification Sherloc (09022015). Collection method: clinical testing. Allele origin: germline.
Comment: This sequence change replaces glutamic acid, which is acidic and polar, with glycine, which is neutral and non-polar, at codon 561 of the SPINK5 protein (p.Glu561Gly). This variant is not present in population databases (gnomAD no frequency). This missense change has been observed in individual(s) with chronic otitis media, asthma, dry skin, and eczema (PMID: 32709676). ClinVar contains an entry for this variant (Variation ID: 918078). Advanced modeling of protein sequence and biophysical properties (such as structural, functional, and spatial information, amino acid conservation, physicochemical variation, residue mobility, and thermodynamic stability) has been performed at Invitae for this missense variant, however the output from this modeling did not meet the statistical confidence thresholds required to predict the impact of this variant on SPINK5 protein function. In summary, the available evidence is currently insufficient to determine the role of this variant in disease. Therefore, it has been classified as a Variant of Uncertain Significance.

GeneDx
Classification: Uncertain significance. Last evaluated: 2020-11-20. Review status: criteria provided, single submitter. Criteria: GeneDx Variant Classification Process June 2021. Collection method: clinical testing. Allele origin: germline. Affected: yes.
Comment: Not observed in large population cohorts (Lek et al., 2016); In silico analysis supports that this missense variant has a deleterious effect on protein structure/function; This variant is associated with the following publications: (PMID: 32709676)

Santos-Cortez Lab, University of Colorado School of Medicine
Classification: Pathogenic for Susceptibility to nonsyndromic otitis media. Last evaluated: 2020-04-18. Review status: no assertion criteria provided. Collection method: research. Allele origin: germline. Affected: yes. Not counted in ClinVar's aggregate classification.

University of Washington Center for Mendelian Genomics, University of Washington
Classification: Likely pathogenic for Otitis media, susceptibility to. Review status: no assertion criteria provided. Collection method: research. Allele origin: inherited. Affected: yes. Not counted in ClinVar's aggregate classification.

Literature cited by the submitters: PubMed 32709676 (cited by Labcorp Genetics (formerly Invitae), Labcorp and University of Washington Center for Mendelian Genomics, University of Washington).

NM_006846.4(SPINK5):c.1682A>G (p.Glu561Gly)

Gene: SPINK5 (serine peptidase inhibitor Kazal type 5; plus strand). Cytogenetic location: 5q32.
Variant type: single nucleotide variant.
Coding change: c.1682A>G on transcript NM_006846.4 (MANE Select); coding-DNA position 1682, A replaced by G.
Protein change: p.Glu561Gly; replaces glutamic acid 561 with glycine.
Molecular consequence: missense variant.
Genome position (GRCh38, 1-based): chr5:148,108,827, A>G. VCF-style: chr5-148108827-A-G. GRCh37 (hg19) VCF-style: chr5-147488390-A-G.
Other names: c.1682A>G, p.Glu561Gly (NM_001127698.2, NM_001127699.2); short protein forms E561G.
Identifiers: ClinVar variation 918078 (VCV000918078.12), dbSNP rs1753847242, ClinGen allele CA361639682.